The following is an entry in ClinVar:

NM_001242896.3(DEPDC5):c.4081A>T (p.Asn1361Tyr)

Gene: DEPDC5 (DEP domain containing 5, GATOR1 subcomplex subunit; plus strand). Cytogenetic location: 22q12.3.
Variant type: single nucleotide variant.
Coding change: c.4081A>T on transcript NM_001242896.3 (MANE Select); coding-DNA position 4081, A replaced by T.
Protein change: p.Asn1361Tyr; replaces asparagine 1361 with tyrosine.
Molecular consequence: missense variant. On other transcripts: non-coding transcript variant (5).
Genome position (GRCh38, 1-based): chr22:31,893,629, A>T. VCF-style: chr22-31893629-A-T. GRCh37 (hg19) VCF-style: chr22-32289615-A-T.
Other names: c.4054A>T, p.Asn1352Tyr (NM_001136029.4); c.3781A>T, p.Asn1261Tyr (NM_001242897.2); c.4015A>T, p.Asn1339Tyr (NM_001363852.2, NM_001364320.2); c.3847A>T, p.Asn1283Tyr (NM_001363854.2, NM_001364319.2); c.4081A>T, p.Asn1361Tyr (NM_001364318.2); c.3997A>T, p.Asn1333Tyr (NM_001369901.1, NM_001369902.1); c.3988A>T, p.Asn1330Tyr (NM_001369903.1, NM_014662.6); short protein forms N1261Y, N1283Y, N1330Y, N1333Y, N1339Y, N1352Y, N1361Y.
Identifiers: ClinVar variation 2577690 (VCV002577690.1), dbSNP rs2523209562, ClinGen allele CA411286839.
Genomic context (GRCh38, chr22:31,893,629, plus strand): 5'-TGTGCTGACATAGCTGCCACTGTCCCAGAGCAGAGGACTGTGACCCTGGATGTTGACGTG[A>T]ACAACCGCACAGACCGGCTGGAGTGGTGCAGCTGTTATTACCATGGCAACTTTTCTCTGA-3'
Protein context (NP_001229825.1, residues 1351-1371): QRTVTLDVDV[Asn1361Tyr]NRTDRLEWCS

ClinVar aggregate classification (germline): Uncertain significance (1 of 4 stars; one submission).

Submission:

GeneDx
Classification: Uncertain significance. Last evaluated: 2023-02-23. Review status: criteria provided, single submitter. Criteria: GeneDx Variant Classification Process June 2021. Collection method: clinical testing. Allele origin: germline. Affected: yes.
Comment: Not observed at significant frequency in large population cohorts (gnomAD); In silico analysis supports that this missense variant has a deleterious effect on protein structure/function; Has not been previously published as pathogenic or benign to our knowledge